The following is an entry in ClinVar:

NM_001129.5(AEBP1):c.3192C>A (p.Thr1064=)

Gene: AEBP1 (AE binding protein 1; plus strand). Cytogenetic location: 7p13.
Variant type: single nucleotide variant.
Coding change: c.3192C>A on transcript NM_001129.5 (MANE Select); coding-DNA position 3192, C replaced by A.
Protein change: p.Thr1064=; no amino-acid change (threonine 1064 retained).
Molecular consequence: synonymous variant.
Genome position (GRCh38, 1-based): chr7:44,113,976, C>A. VCF-style: chr7-44113976-C-A. GRCh37 (hg19) VCF-style: chr7-44153575-C-A.
Identifiers: ClinVar variation 3058433 (VCV003058433.2), dbSNP rs1304790726, ClinGen allele CA454862504.

ClinVar aggregate classification (germline): Likely benign (0 of 4 stars; one submission).

Conditions:
AEBP1-related disorder. Also called: AEBP1-related condition.

Submission:

PreventionGenetics, part of Exact Sciences
Classification: Likely benign for AEBP1-related condition. Last evaluated: 2020-03-19. Review status: no assertion criteria provided. Collection method: clinical testing. Allele origin: germline.
Comment: This variant is classified as likely benign based on ACMG/AMP sequence variant interpretation guidelines (Richards et al. 2015 PMID: 25741868, with internal and published modifications).